The following is an entry in ClinVar:

ClinVar aggregate classification (germline): Pathogenic/Likely pathogenic. Review status: criteria provided, multiple submitters, no conflicts (2 of 4 stars). 4 submissions from 4 submitters: Pathogenic (2); Likely pathogenic (2). Last evaluated 2023-03-08.

Conditions:
Methylmalonic aciduria due to methylmalonyl-CoA mutase deficiency (MAMM). Also called: Methylmalonic aciduria, mut type. Identifiers: Orphanet 27, MedGen C1855114, MONDO:0009612, OMIM 251000.

Submissions (4):

Labcorp Genetics (formerly Invitae), Labcorp
Classification: Pathogenic. Last evaluated: 2023-03-08. Review status: criteria provided, single submitter. Criteria: Invitae Variant Classification Sherloc (09022015). Collection method: clinical testing. Allele origin: germline.
Comment: For these reasons, this variant has been classified as Pathogenic. Advanced modeling of protein sequence and biophysical properties (such as structural, functional, and spatial information, amino acid conservation, physicochemical variation, residue mobility, and thermodynamic stability) performed at Invitae indicates that this missense variant is expected to disrupt MUT protein function. ClinVar contains an entry for this variant (Variation ID: 222915). This missense change has been observed in individual(s) with methylmalonic aciduria (PMID: 27167370, 27233228). This variant is present in population databases (rs200908035, gnomAD 0.0009%). This sequence change replaces asparagine, which is neutral and polar, with isoleucine, which is neutral and non-polar, at codon 189 of the MUT protein (p.Asn189Ile).

Fulgent Genetics
Classification: Likely pathogenic for Methylmalonic aciduria due to methylmalonyl-CoA mutase deficiency. Last evaluated: 2022-05-14. Review status: criteria provided, single submitter. Criteria: ACMG Guidelines, 2015. Collection method: clinical testing. Allele origin: unknown.

Myriad Genetics, Inc.
Classification: Likely pathogenic for Methylmalonic aciduria due to methylmalonyl-CoA mutase deficiency. Last evaluated: 2021-11-16. Review status: criteria provided, single submitter. Criteria: Myriad Women's Health Autosomal Recessive and X-Linked Classification Criteria (2021). Collection method: clinical testing. Allele origin: unknown.
Comment: NM_000255.3(MMUT):c.566A>T(N189I) is a missense variant classified as likely pathogenic in the context of methylmalonic acidemia, MMUT-related. N189I has been observed in cases with relevant disease (PMID: 27167370, 27233228). Functional assessments of this variant are available in the literature (PMID: 27167370). Internal structural analysis of the variant is supportive of pathogenicity. N189I has been observed in population frequency databases (gnomAD: NFE <0.001%). In summary, NM_000255.3(MMUT):c.566A>T(N189I) is a missense variant that has both functional and internal structural support for pathogenicity and has been observed more frequently in cases with the relevant disease than in healthy populations. Please note: this variant was assessed in the context of healthy population screening.

University Children's Hospital, University of Zurich
Classification: Pathogenic for Methylmalonic aciduria due to methylmalonyl-CoA mutase deficiency. Review status: criteria provided, single submitter. Criteria: Forny et al. (Hum Mutat. 2016). Collection method: clinical testing. Allele origin: germline. Inheritance: Autosomal recessive inheritance. Affected: yes.

Literature cited by the submitters: PubMed 27167370 (cited by Labcorp Genetics (formerly Invitae), Labcorp and Myriad Genetics, Inc.); PubMed 27233228 (cited by Labcorp Genetics (formerly Invitae), Labcorp and Myriad Genetics, Inc.); PubMed 25736335 (cited by University Children's Hospital, University of Zurich).

NM_000255.4(MMUT):c.566A>T (p.Asn189Ile)

Gene: MMUT (methylmalonyl-CoA mutase; minus strand). Cytogenetic location: 6p12.3.
Variant type: single nucleotide variant.
Coding change: c.566A>T on transcript NM_000255.4 (MANE Select); coding-DNA position 566, A replaced by T.
Protein change: p.Asn189Ile; replaces asparagine 189 with isoleucine.
Molecular consequence: missense variant.
Genome position (GRCh38, 1-based): chr6:49,457,878, T>A on the plus strand (A>T on the coding strand, the complement: MMUT is on the minus strand). VCF-style: chr6-49457878-T-A. GRCh37 (hg19) VCF-style: chr6-49425591-T-A.
Other names: short protein forms N189I.
Identifiers: ClinVar variation 222915 (VCV000222915.12), dbSNP rs200908035, ClinGen allele CA3847091.
Genomic context (GRCh38, chr6:49,457,878, plus strand): 5'-GGTACACCTTGTTCTTCTCCAGTTACTATAAAATTTGCAAGAACTGGAATAACTGCTCCA[T>A]TCATAGTCATGGAAACTGACATTTTTTCTAAAGGAATTCCATCAAAAAGAATTTTGGTAT-3'
Protein context (NP_000246.2, residues 179-199): LEKMSVSMTM[Asn189Ile]GAVIPVLANF